The following is an entry in ClinVar:

NM_005560.6(LAMA5):c.5708G>A (p.Arg1903Lys)

Gene: LAMA5 (laminin subunit alpha 5; minus strand). Cytogenetic location: 20q13.33.
Variant type: single nucleotide variant.
Coding change: c.5708G>A on transcript NM_005560.6 (MANE Select); coding-DNA position 5708, G replaced by A.
Protein change: p.Arg1903Lys; replaces arginine 1903 with lysine.
Molecular consequence: missense variant.
Genome position (GRCh38, 1-based): chr20:62,324,140, C>T on the plus strand (G>A on the coding strand, the complement: LAMA5 is on the minus strand). VCF-style: chr20-62324140-C-T. GRCh37 (hg19) VCF-style: chr20-60899196-C-T.
Other names: p.Arg1903Lys; short protein forms R1903K.
Identifiers: ClinVar variation 1629849 (VCV001629849.10), dbSNP rs116895933, ClinGen allele CA9942084.

ClinVar aggregate classification (germline): Benign/Likely benign. Review status: criteria provided, multiple submitters, no conflicts (2 of 4 stars). 3 submissions from 3 submitters: Benign (2); Likely benign (1). Last evaluated 2026-02-01.

Allele frequency attached by ClinVar (database versions not stated): 1000 Genomes Project 30x 0.01046; gnomAD exomes 0.01742 and 0.02494; TOPMed 0.01878; ESP Exome Variant Server 0.01980; 1000 Genomes Project 0.01018; gnomAD 0.01801 and 0.01840.

Submissions (3):

Labcorp Genetics (formerly Invitae), Labcorp
Classification: Benign. Last evaluated: 2026-02-01. Review status: criteria provided, single submitter. Criteria: Invitae Variant Classification Sherloc (09022015). Collection method: clinical testing. Allele origin: germline.

Mayo Clinic Laboratories, Mayo Clinic
Classification: Likely benign. Last evaluated: 2024-06-03. Review status: criteria provided, single submitter. Criteria: ACMG Guidelines, 2015. Collection method: clinical testing. Allele origin: germline. Observed: 6 variant alleles.
Comment: BS2, BP4

Breakthrough Genomics
Classification: Benign. Review status: criteria provided, single submitter. Criteria: ACMG Guidelines, 2015. Collection method: not provided. Allele origin: germline. Inheritance: Autosomal recessive inheritance. Affected: yes.